The following is an entry in ClinVar:

ClinVar aggregate classification (germline): Conflicting classifications of pathogenicity. Review status: criteria provided, conflicting classifications (1 of 4 stars). 15 submissions from 13 submitters: Uncertain significance (1); Benign (5); Likely benign (6). 3 of the submissions do not count toward it. Last evaluated 2026-08-01.

Conditions:
Intellectual disability, autosomal dominant 15 (CSS3). Also called: COFFIN-SIRIS SYNDROME 3. Identifiers: Orphanet 1465, MedGen C3553248, MONDO:0013820, OMIM 614608.
Coffin-Siris syndrome. Identifiers: Orphanet 1465, MedGen C0265338, MONDO:0015452.
Hereditary cancer-predisposing syndrome. Also called: Tumor predisposition; Neoplastic Syndromes, Hereditary; Hereditary neoplastic syndrome; Hereditary Cancer Syndrome. Identifiers: Orphanet 140162, MedGen C0027672, MeSH D009386, MONDO:0015356.
Rhabdoid tumor predisposition syndrome 1 (RTPS1). Also called: Familial Posterior Fossa Brain Tumor of Infancy. Identifiers: Orphanet 231108, Orphanet 69077, MedGen C1836327, MONDO:0012252, OMIM 609322.
SMARCB1-related schwannomatosis. Also called: Schwannomatosis 1; SWNTS1. Identifiers: Orphanet 93921, MedGen C4048809, MONDO:0024517, OMIM 162091. Disease mechanism: loss of function.

Allele frequency attached by ClinVar (database versions not stated): gnomAD exomes 0.00204 and 0.00308; ExAC 0.00229; gnomAD 0.00231 and 0.00235; TOPMed 0.00244; ESP Exome Variant Server 0.00284; 1000 Genomes Project 30x 0.00047; 1000 Genomes Project 0.00060.
gnomAD v4.1: 4,848 of 1,613,922 alleles (0.3%); highest among the groups gnomAD compares: Middle Eastern, 0.45%; 8 homozygotes.

Submissions (15):

CeGaT Center for Human Genetics Tuebingen
Classification: Likely benign. Last evaluated: 2026-08-01. Review status: criteria provided, single submitter. Criteria: CeGaT Center For Human Genetics Tuebingen Variant Classification Criteria Version 2. Collection method: clinical testing. Allele origin: germline. Affected: yes. Observed: 22 variant alleles.
Comment: SMARCB1: BS1

Labcorp Genetics (formerly Invitae), Labcorp
Classification: Benign. Last evaluated: 2026-02-03. Review status: criteria provided, single submitter. Criteria: Invitae Variant Classification Sherloc (09022015). Collection method: clinical testing. Allele origin: germline.

KCCC/NGS Laboratory, Kuwait Cancer Control Center
Classification: Benign for SMARCB1-related schwannomatosis. Last evaluated: 2025-02-01. Review status: criteria provided, single submitter. Criteria: ACMG Guidelines, 2015. Collection method: clinical testing. Allele origin: germline. Affected: no.

Blueprint Genetics
Classification: Likely benign. Last evaluated: 2024-11-28. Review status: criteria provided, single submitter. Criteria: ACMG Guidelines, 2015. Collection method: clinical testing. Allele origin: germline.

Department of Pathology and Laboratory Medicine, Sinai Health System
Classification: Likely benign for Coffin-Siris syndrome. Last evaluated: 2023-09-19. Review status: criteria provided, single submitter. Criteria: ACMG Guidelines, 2015. Collection method: clinical testing. Allele origin: germline. Affected: yes.

KCCC/NGS Laboratory, Kuwait Cancer Control Center
Classification: Likely benign for Rhabdoid tumor predisposition syndrome 1. Last evaluated: 2023-07-07. Review status: criteria provided, single submitter. Criteria: ACMG Guidelines, 2015. Collection method: clinical testing. Allele origin: germline. Affected: yes.

ARUP Laboratories, Molecular Genetics and Genomics, ARUP Laboratories
Classification: Likely benign. Last evaluated: 2022-01-12. Review status: criteria provided, single submitter. Criteria: ARUP Molecular Germline Variant Investigation Process 2021. Collection method: clinical testing. Allele origin: germline.

Sema4
Classification: Benign for Hereditary cancer-predisposing syndrome. Last evaluated: 2020-10-21. Review status: criteria provided, single submitter. Criteria: Sema4 Curation Guidelines. Collection method: curation. Allele origin: germline.

Baylor Genetics
Classification: Uncertain significance for Intellectual disability, autosomal dominant 15. Last evaluated: 2018-03-22. Review status: criteria provided, single submitter. Criteria: ACMG Guidelines, 2015. Collection method: clinical testing. Allele origin: maternal. Affected: yes.
Comment: This variant was determined to be of uncertain significance according to ACMG Guidelines, 2015 [PMID:25741868].

Illumina Laboratory Services, Illumina
Classification: Benign for Rhabdoid tumor predisposition syndrome 1. Last evaluated: 2018-01-13. Review status: criteria provided, single submitter. Criteria: ICSL Variant Classification Criteria 13 December 2019. Collection method: clinical testing. Allele origin: germline.
Comment: This variant was observed in the ICSL laboratory as part of a predisposition screen in an ostensibly healthy population. It had not been previously curated by ICSL or reported in the Human Gene Mutation Database (HGMD: prior to June 1st, 2018), and was therefore a candidate for classification through an automated scoring system. Utilizing variant allele frequency, disease prevalence and penetrance estimates, and inheritance mode, an automated score was calculated to assess if this variant is too frequent to cause the disease. Based on the score and internal cut-off values, a variant classified as benign is not then subjected to further curation. The score for this variant resulted in a classification of benign for this disease.

Illumina Laboratory Services, Illumina
Classification: Benign for SMARCB1-related schwannomatosis. Last evaluated: 2018-01-13. Review status: criteria provided, single submitter. Criteria: ICSL Variant Classification Criteria 13 December 2019. Collection method: clinical testing. Allele origin: germline.
Comment: the same text as in the submission from Illumina Laboratory Services, Illumina above.

GeneDx
Classification: Likely benign. Last evaluated: 2016-08-18. Review status: criteria provided, single submitter. Criteria: GeneDx Variant Classification (06012015). Collection method: clinical testing. Allele origin: germline. Affected: yes.
Comment: This variant is considered likely benign or benign based on one or more of the following criteria: it is a conservative change, it occurs at a poorly conserved position in the protein, it is predicted to be benign by multiple in silico algorithms, and/or has population frequency not consistent with disease.

Clinical Genetics DNA and cytogenetics Diagnostics Lab, Erasmus MC, Erasmus Medical Center
Classification: Benign. Review status: no assertion criteria provided. Collection method: clinical testing. Allele origin: germline. Affected: yes. Study: VKGL Data-share Consensus. Not counted in ClinVar's aggregate classification.

Diagnostic Laboratory, Department of Genetics, University Medical Center Groningen
Classification: Likely benign. Review status: no assertion criteria provided. Collection method: clinical testing. Allele origin: germline. Affected: yes. Study: VKGL Data-share Consensus. Not counted in ClinVar's aggregate classification.

Genome Diagnostics Laboratory, Amsterdam University Medical Center
Classification: Benign. Review status: no assertion criteria provided. Collection method: clinical testing. Allele origin: germline. Affected: yes. Study: VKGL Data-share Consensus. Not counted in ClinVar's aggregate classification.

NM_003073.5(SMARCB1):c.628+13C>T

Gene: SMARCB1 (SWI/SNF related BAF chromatin remodeling complex subunit B1; plus strand). Cytogenetic location: 22q11.23.
Variant type: single nucleotide variant.
Coding change: c.628+13C>T on transcript NM_003073.5 (MANE Select); 13 bases into the intron after coding-DNA position 628, C replaced by T.
Molecular consequence: intron variant.
Genome position (GRCh38, 1-based): chr22:23,803,435, C>T. VCF-style: chr22-23803435-C-T. GRCh37 (hg19) VCF-style: chr22-24145622-C-T.
Other names: c.682+13C>T (NM_001362877.2); c.655+13C>T (NM_001317946.2); c.601+13C>T (NM_001007468.3); c.628+13C>T (LRG_520t1, NM_003073.4).
Identifiers: ClinVar variation 340913 (VCV000340913.52), dbSNP rs184021903, ClinGen allele CA10145998.